The following is an entry in ClinVar:

ClinVar aggregate classification (germline): Likely benign. Review status: criteria provided, multiple submitters, no conflicts (2 of 4 stars). 2 submissions from 2 submitters: Likely benign (2). Last evaluated 2026-03-06.

Conditions:
DCTN1-related disorder. Also called: DCTN1-related condition.
Amyotrophic lateral sclerosis type 1 (ALS1). Also called: AMYOTROPHIC LATERAL SCLEROSIS 1, FAMILIAL. Identifiers: Orphanet 803, MedGen C1862939, MONDO:0007103, OMIM 105400.
Perry syndrome. Also called: PARKINSONISM WITH ALVEOLAR HYPOVENTILATION AND MENTAL DEPRESSION. Identifiers: Orphanet 178509, MedGen C1868594, MONDO:0008201, OMIM 168605.
Neuronopathy, distal hereditary motor, type 7B. Also called: HMN VIIB; LOWER MOTOR NEURON DISEASE, DYNACTIN TYPE; NEURONOPATHY, DISTAL HEREDITARY MOTOR, AUTOSOMAL DOMINANT 14; NEURONOPATHY, DISTAL HEREDITARY MOTOR, HARDING TYPE VIIB; NEUROPATHY, DISTAL HEREDITARY MOTOR, HARDING TYPE VIIB; NEUROPATHY, DISTAL HEREDITARY MOTOR, WITH VOCAL CORD PARALYSIS, HARDING TYPE VIIB. Identifiers: Orphanet 139589, MedGen C1843315, MONDO:0011879, OMIM 607641.

Allele frequency attached by ClinVar (database versions not stated): gnomAD exomes below 0.00001; TOPMed below 0.00001.
gnomAD v4.1: 2 of 1,614,146 alleles (0.00012%); highest among the groups gnomAD compares: East Asian, 0.0022%; no homozygotes.

Submissions (2):

PreventionGenetics, part of Exact Sciences
Classification: Likely benign for DCTN1-related condition. Last evaluated: 2026-03-06. Review status: criteria provided, single submitter. Criteria: ACMG Guidelines, 2015. Collection method: clinical testing. Allele origin: germline.
Comment: This variant is classified as likely benign based on ACMG/AMP sequence variant interpretation guidelines (Richards et al. 2015 PMID: 25741868, with internal and published modifications).

Labcorp Genetics (formerly Invitae), Labcorp
Classification: Likely benign for Amyotrophic lateral sclerosis type 1; Neuronopathy, distal hereditary motor, type 7B; Perry syndrome. Last evaluated: 2024-03-11. Review status: criteria provided, single submitter. Criteria: Invitae Variant Classification Sherloc (09022015). Collection method: clinical testing. Allele origin: germline.

NM_004082.5(DCTN1):c.2254-8C>T

Gene: DCTN1 (dynactin subunit 1; minus strand). Cytogenetic location: 2p13.1.
Variant type: single nucleotide variant.
Coding change: c.2254-8C>T on transcript NM_004082.5 (MANE Select); 8 bases into the intron before coding-DNA position 2254, C replaced by T.
Molecular consequence: intron variant.
Genome position (GRCh38, 1-based): chr2:74,367,115, G>A on the plus strand (C>T on the coding strand, the complement: DCTN1 is on the minus strand). VCF-style: chr2-74367115-G-A. GRCh37 (hg19) VCF-style: chr2-74594242-G-A.
Other names: c.2254-8C>T (NM_004082.4); c.2143-8C>T (NM_001190836.2); c.2185-8C>T (NM_001378992.1); c.2203-8C>T (NM_001378991.1); c.2194-8C>T (NM_001135040.3); c.2233-8C>T (NM_001190837.2); c.1852-8C>T (NM_001135041.3, NM_023019.4).
Identifiers: ClinVar variation 1637132 (VCV001637132.9), dbSNP rs1674478166, ClinGen allele CA1261393684.